The following is an entry in ClinVar:

NM_013362.4(ZNF225):c.88A>G (p.Arg30Gly)

Gene: ZNF225 (zinc finger protein 225; plus strand). Cytogenetic location: 19q13.31.
Variant type: single nucleotide variant.
Coding change: c.88A>G on transcript NM_013362.4 (MANE Select); coding-DNA position 88, A replaced by G.
Protein change: p.Arg30Gly; replaces arginine 30 with glycine.
Molecular consequence: missense variant.
Genome position (GRCh38, 1-based): chr19:44,118,260, A>G. VCF-style: chr19-44118260-A-G. GRCh37 (hg19) VCF-style: chr19-44622413-A-G.
Other names: c.88A>G (NM_013362.2); c.88A>G, p.Arg30Gly (NM_001321685.2); short protein forms R30G.
Identifiers: ClinVar variation 3239095 (VCV003239095.19), dbSNP rs147545000.

ClinVar aggregate classification (germline): Conflicting classifications of pathogenicity. Review status: criteria provided, conflicting classifications (1 of 4 stars). 2 submissions from 2 submitters: Uncertain significance (1); Benign (1). Last evaluated 2025-11-03.

Allele frequency attached by ClinVar (database versions not stated): ExAC 0.00061; 1000 Genomes Project 0.00160; 1000 Genomes Project 30x 0.00172; TOPMed 0.00201; gnomAD 0.00203; ESP Exome Variant Server 0.00231.

Submissions (2):

Ambry Genetics
Classification: Uncertain significance. Last evaluated: 2025-11-03. Review status: criteria provided, single submitter. Criteria: Ambry Variant Classification Scheme 2023. Collection method: clinical testing. Allele origin: germline.

CeGaT Center for Human Genetics Tuebingen
Classification: Benign. Last evaluated: 2024-05-01. Review status: criteria provided, single submitter. Criteria: CeGaT Center For Human Genetics Tuebingen Variant Classification Criteria Version 2. Collection method: clinical testing. Allele origin: germline. Affected: yes. Observed: 1 variant allele.
Comment: ZNF225: BP4, BS1, BS2